The following is an entry in ClinVar:

NM_001042492.3(NF1):c.4275G>T (p.Gly1425=)

Gene: NF1 (neurofibromin 1; plus strand). Cytogenetic location: 17q11.2.
Variant type: single nucleotide variant.
Coding change: c.4275G>T on transcript NM_001042492.3 (MANE Select); coding-DNA position 4275, G replaced by T.
Protein change: p.Gly1425=; no amino-acid change (glycine 1425 retained).
Molecular consequence: synonymous variant.
Genome position (GRCh38, 1-based): chr17:31,258,445, G>T. VCF-style: chr17-31258445-G-T. GRCh37 (hg19) VCF-style: chr17-29585463-G-T.
Other names: c.4212G>T, p.Gly1404= (NM_000267.4).
Identifiers: ClinVar variation 1738760 (VCV001738760.2), dbSNP rs1555618548, ClinGen allele CA499233495.
Genomic context (GRCh38, chr17:31,258,445, plus strand): 5'-AGGAAGTGCCATGTTCCTCAGATTTATCAATCCTGCCATTGTCTCACCGTATGAAGCAGG[G>T]ATTTTAGATAAAAAGCCACCACCTAGAATCGAAAGGGGCTTGAAGTTAATGTCAAAGGTG-3'
Protein context (NP_001035957.1, residues 1415-1435): NPAIVSPYEA[Gly1425=]ILDKKPPPRI

ClinVar aggregate classification (germline): Uncertain significance (1 of 4 stars; one submission).

Conditions:
Cardiovascular phenotype. Identifiers: MedGen CN230736.
Hereditary cancer-predisposing syndrome. Also called: Hereditary Cancer Syndrome; Hereditary neoplastic syndrome; Neoplastic Syndromes, Hereditary; Tumor predisposition. Identifiers: Orphanet 140162, MedGen C0027672, MeSH D009386, MONDO:0015356.

Submission:

Ambry Genetics
Classification: Uncertain significance for Cardiovascular phenotype; Hereditary cancer-predisposing syndrome. Last evaluated: 2018-05-07. Review status: criteria provided, single submitter. Criteria: Ambry Variant Classification Scheme 2023. Collection method: clinical testing. Allele origin: germline.
Comment: The c.4212G>T variant (also known as p.G1404G), located in coding exon 31, results from a G to T substitution at nucleotide position 4212 of the NF1 gene. This nucleotide substitution does not change the amino acid at codon 1404. This nucleotide position is not well conserved in available vertebrate species. Using the BDGP and ESEfinder splice site prediction tools, this alteration is predicted to create a new alternate splice donor site; however, direct evidence is unavailable. Since supporting evidence is limited at this time, the clinical significance of this alteration remains unclear.